The following is an entry in ClinVar:

ClinVar aggregate classification (germline): Uncertain significance. Review status: criteria provided, multiple submitters, no conflicts (2 of 4 stars). 2 submissions from 2 submitters: Uncertain significance (2). Last evaluated 2022-08-22.

Conditions:
Nephronophthisis. Also called: Juvenile Nephronophthisis. Identifiers: Orphanet 655, MedGen C0687120, MONDO:0019005, HP:0000090.
Jeune thoracic dystrophy. Also called: Jeune syndrome; Infantile thoracic dystrophy; Thoracic pelvic phalangeal dystrophy; Jeune's syndrome; Chondroectodermal dysplasia-like syndrome; Short-rib thoracic dysplasia. Identifiers: Orphanet 474, MedGen C0265275, MONDO:0018770.

gnomAD v4.1: 1 of 1,613,856 alleles (0.000062%); highest among the groups gnomAD compares: Non-Finnish European, 0.000085%; no homozygotes.

Submissions (2):

Labcorp Genetics (formerly Invitae), Labcorp
Classification: Uncertain significance for Jeune thoracic dystrophy; Nephronophthisis. Last evaluated: 2022-08-22. Review status: criteria provided, single submitter. Criteria: Invitae Variant Classification Sherloc (09022015). Collection method: clinical testing. Allele origin: germline.
Comment: In summary, the available evidence is currently insufficient to determine the role of this variant in disease. Therefore, it has been classified as a Variant of Uncertain Significance. Algorithms developed to predict the effect of missense changes on protein structure and function are either unavailable or do not agree on the potential impact of this missense change (SIFT: "Deleterious"; PolyPhen-2: "Benign"; Align-GVGD: "Class C0"). ClinVar contains an entry for this variant (Variation ID: 1012956). This variant has not been reported in the literature in individuals affected with TTC21B-related conditions. This variant is not present in population databases (gnomAD no frequency). This sequence change replaces glutamine, which is neutral and polar, with leucine, which is neutral and non-polar, at codon 1117 of the TTC21B protein (p.Gln1117Leu).

CeGaT Center for Human Genetics Tuebingen
Classification: Uncertain significance. Last evaluated: 2021-01-01. Review status: criteria provided, single submitter. Criteria: CeGaT Center For Human Genetics Tuebingen Variant Classification Criteria Version 2. Collection method: clinical testing. Allele origin: germline. Affected: yes. Observed: 1 variant allele.

NM_024753.5(TTC21B):c.3350A>T (p.Gln1117Leu)

Gene: TTC21B (tetratricopeptide repeat domain 21B; minus strand). Cytogenetic location: 2q24.3.
Variant type: single nucleotide variant.
Coding change: c.3350A>T on transcript NM_024753.5 (MANE Select); coding-DNA position 3350, A replaced by T.
Protein change: p.Gln1117Leu; replaces glutamine 1117 with leucine.
Molecular consequence: missense variant.
Genome position (GRCh38, 1-based): chr2:165,888,388, T>A on the plus strand (A>T on the coding strand, the complement: TTC21B is on the minus strand). VCF-style: chr2-165888388-T-A. GRCh37 (hg19) VCF-style: chr2-166744898-T-A.
Other names: short protein forms Q1117L.
Identifiers: ClinVar variation 1012956 (VCV001012956.42), dbSNP rs148631747, ClinGen allele CA349047621.